The following is an entry in ClinVar:

ClinVar aggregate classification (germline): Uncertain significance (1 of 4 stars; one submission).

Submission:

GeneDx
Classification: Uncertain significance. Last evaluated: 2023-06-20. Review status: criteria provided, single submitter. Criteria: GeneDx Variant Classification Process June 2021. Collection method: clinical testing. Allele origin: germline. Affected: yes.
Comment: Identified in a patient with a thoracic aortic aneurysm who also harbored a variant in the NOTCH1 gene (Torres-Juan et al., 2023); Frameshift variant predicted to result in protein truncation or nonsense mediated decay in a gene or region of a gene for which loss of function is not a well-established mechanism of disease; Not observed at significant frequency in large population cohorts (gnomAD); This variant is associated with the following publications: (PMID: 37239988)

NM_020774.4(MIB1):c.971_972del (p.Gln324fs)

Gene: MIB1 (MIB E3 ubiquitin protein ligase 1; plus strand). Cytogenetic location: 18q11.2.
Variant type: Deletion.
Coding change: c.971_972del on transcript NM_020774.4 (MANE Select); coding-DNA positions 971 to 972, 2 bases deleted (AG; older notation c.971_972delAG).
Protein change: p.Gln324fs; shifts the reading frame from glutamine 324.
Molecular consequence: frameshift variant.
Genome position (GRCh38, 1-based): chr18:21,791,436-21,791,437, AG deleted. VCF-style (leftmost placement, unchanged base first): chr18-21791435-CAG-C. GRCh37 (hg19) VCF-style: chr18-19371396-CAG-C.
Other names: c.971_972delAG, p.Gln324Argfs (NM_020774.3); short protein forms Q324fs.
Identifiers: ClinVar variation 3359967 (VCV003359967.1).